The following is an entry in ClinVar:

NM_003185.4(TAF4):c.338C>G (p.Pro113Arg)

Gene: TAF4 (TATA-box binding protein associated factor 4; minus strand). Cytogenetic location: 20q13.33.
Variant type: single nucleotide variant.
Coding change: c.338C>G on transcript NM_003185.4 (MANE Select); coding-DNA position 338, C replaced by G.
Protein change: p.Pro113Arg; replaces proline 113 with arginine.
Molecular consequence: missense variant.
Genome position (GRCh38, 1-based): chr20:62,065,473, G>C on the plus strand (C>G on the coding strand, the complement: TAF4 is on the minus strand). VCF-style: chr20-62065473-G-C. GRCh37 (hg19) VCF-style: chr20-60640529-G-C.
Other names: short protein forms P113R.
Identifiers: ClinVar variation 4536932 (VCV004536932.1).

ClinVar aggregate classification (germline): Uncertain significance (1 of 4 stars; one submission).

Submission:

Women's Health and Genetics/Laboratory Corporation of America, LabCorp
Classification: Uncertain significance. Last evaluated: 2025-11-10. Review status: criteria provided, single submitter. Criteria: LabCorp Variant Classification Summary - May 2015. Collection method: clinical testing. Allele origin: germline.
Comment: Variant summary: TAF4 c.338C>G (p.Pro113Arg) results in a non-conservative amino acid change in the encoded protein sequence. Algorithms developed to predict the effect of missense changes on protein structure and function are either unavailable or do not agree on the potential impact of this missense change. The variant was absent in 22978 control chromosomes. The available data on variant occurrences in the general population are insufficient to allow any conclusion about variant significance. To our knowledge, no occurrence of c.338C>G in individuals affected with TAF4-related conditions and no experimental evidence demonstrating its impact on protein function have been reported. No submitters have cited clinical-significance assessments for this variant to ClinVar. Based on the evidence outlined above, the variant was classified as uncertain significance.